The following is an entry in ClinVar:

NM_004994.3(MMP9):c.1009G>A (p.Val337Met)

Gene: MMP9 (matrix metallopeptidase 9; plus strand). Cytogenetic location: 20q13.12.
Variant type: single nucleotide variant.
Coding change: c.1009G>A on transcript NM_004994.3 (MANE Select); coding-DNA position 1009, G replaced by A.
Protein change: p.Val337Met; replaces valine 337 with methionine.
Molecular consequence: missense variant.
Genome position (GRCh38, 1-based): chr20:46,012,148, G>A. VCF-style: chr20-46012148-G-A. GRCh37 (hg19) VCF-style: chr20-44640787-G-A.
Other names: c.1009G>A (NM_004994.2); short protein forms V337M.
Identifiers: ClinVar variation 1369457 (VCV001369457.7), dbSNP rs149701392, ClinGen allele CA9886600.
Genomic context (GRCh38, chr20:46,012,148, plus strand): 5'-CTTATTGGACTCATCCATCTGGCTCATCCAAGGCCTTGGGTCTCTCCAGCTGACTCGACG[G>A]TGATGGGGGGCAACTCGGCGGGGGAGCTGTGCGTCTTCCCCTTCACTTTCCTGGGTAAGG-3'
Protein context (NP_004985.2, residues 327-347): GFCPTRADST[Val337Met]MGGNSAGELC

ClinVar aggregate classification (germline): Uncertain significance. Review status: criteria provided, multiple submitters, no conflicts (2 of 4 stars). 2 submissions from 2 submitters: Uncertain significance (2). Last evaluated 2025-05-03.

Allele frequency attached by ClinVar (database versions not stated): ExAC 0.00001; TOPMed 0.00003; gnomAD 0.00005 and 0.00006; ESP Exome Variant Server 0.00023.
gnomAD v4.1: 18 of 1,613,966 alleles (0.0011%); highest among the groups gnomAD compares: Admixed American, 0.0017%; 1 homozygote.

Submissions (2):

Labcorp Genetics (formerly Invitae), Labcorp
Classification: Uncertain significance. Last evaluated: 2025-05-03. Review status: criteria provided, single submitter. Criteria: Invitae Variant Classification Sherloc (09022015). Collection method: clinical testing. Allele origin: germline.
Comment: This sequence change replaces valine, which is neutral and non-polar, with methionine, which is neutral and non-polar, at codon 337 of the MMP9 protein (p.Val337Met). This variant is present in population databases (rs149701392, gnomAD 0.004%). This variant has not been reported in the literature in individuals affected with MMP9-related conditions. ClinVar contains an entry for this variant (Variation ID: 1369457). Invitae Evidence Modeling of protein sequence and biophysical properties (such as structural, functional, and spatial information, amino acid conservation, physicochemical variation, residue mobility, and thermodynamic stability) has been performed for this missense variant. However, the output from this modeling did not meet the statistical confidence thresholds required to predict the impact of this variant on MMP9 protein function. In summary, the available evidence is currently insufficient to determine the role of this variant in disease. Therefore, it has been classified as a Variant of Uncertain Significance.

Ambry Genetics
Classification: Uncertain significance. Last evaluated: 2024-01-30. Review status: criteria provided, single submitter. Criteria: Ambry Variant Classification Scheme 2023. Collection method: clinical testing. Allele origin: germline.